The following is an entry in ClinVar:

NM_000090.4(COL3A1):c.*3C>A

Gene: COL3A1 (collagen type III alpha 1 chain; plus strand). Cytogenetic location: 2q32.2.
Variant type: single nucleotide variant.
Coding change: c.*3C>A on transcript NM_000090.4 (MANE Select); 3 bases downstream of the stop codon, C replaced by A.
Molecular consequence: 3 prime UTR variant.
Genome position (GRCh38, 1-based): chr2:189,011,777, C>A. VCF-style: chr2-189011777-C-A. GRCh37 (hg19) VCF-style: chr2-189876503-C-A.
Identifiers: ClinVar variation 918335 (VCV000918335.3), dbSNP rs1383823798, ClinGen allele CA913187992.

ClinVar aggregate classification (germline): Uncertain significance (1 of 4 stars; one submission).

Conditions:
Familial thoracic aortic aneurysm and aortic dissection (TAAD). Also called: Thoracic aortic aneurysms and dissections. Identifiers: Orphanet 91387, MedGen C4707243, MONDO:0019625.

Allele frequency attached by ClinVar (database versions not stated): gnomAD exomes 0.00001.
gnomAD v4.1: 18 of 1,613,822 alleles (0.0011%); highest among the groups gnomAD compares: Non-Finnish European, 0.0014%; no homozygotes.

Submission:

Color Diagnostics, LLC DBA Color Health
Classification: Uncertain significance for Familial thoracic aortic aneurysm and aortic dissection. Last evaluated: 2020-03-20. Review status: criteria provided, single submitter. Criteria: ACMG Guidelines, 2015. Collection method: clinical testing. Allele origin: germline.
Comment: This variant is located in the 3' untranslated region of the COL3A1 gene. Splice site prediction tools suggest that this variant may not impact RNA splicing. To our knowledge, functional studies have not been reported for this variant. This variant has not been reported in individuals affected with cardiovascular disorders in the literature. This variant has not been identified in the general population by the Genome Aggregation Database (gnomAD). The available evidence is insufficient to determine the role of this variant in disease conclusively. Therefore, this variant is classified as a Variant of Uncertain Significance.